The following is an entry in ClinVar:

ClinVar aggregate classification (germline): Uncertain significance (1 of 4 stars; one submission).

Conditions:
Emery-Dreifuss muscular dystrophy 5, autosomal dominant (EDMD5). Also called: EMERY-DREIFUSS MUSCULAR DYSTROPHY 5. Identifiers: Orphanet 261, MedGen C2751805, MONDO:0013072, OMIM 612999.

Submission:

Labcorp Genetics (formerly Invitae), Labcorp
Classification: Uncertain significance for Emery-Dreifuss muscular dystrophy 5, autosomal dominant. Last evaluated: 2022-11-08. Review status: criteria provided, single submitter. Criteria: Invitae Variant Classification Sherloc (09022015). Collection method: clinical testing. Allele origin: germline.
Comment: In summary, the available evidence is currently insufficient to determine the role of this variant in disease. Therefore, it has been classified as a Variant of Uncertain Significance. Algorithms developed to predict the effect of missense changes on protein structure and function are either unavailable or do not agree on the potential impact of this missense change (SIFT: "Tolerated"; PolyPhen-2: "Possibly Damaging"; Align-GVGD: "Class C0"). This variant has not been reported in the literature in individuals affected with SYNE2-related conditions. This variant is not present in population databases (gnomAD no frequency). This sequence change replaces valine, which is neutral and non-polar, with glutamic acid, which is acidic and polar, at codon 3952 of the SYNE2 protein (p.Val3952Glu).

NM_182914.3(SYNE2):c.11855T>A (p.Val3952Glu)

Gene: SYNE2 (spectrin repeat containing nuclear envelope protein 2; plus strand). Cytogenetic location: 14q23.2.
Variant type: single nucleotide variant.
Coding change: c.11855T>A on transcript NM_182914.3 (MANE Select); coding-DNA position 11855, T replaced by A.
Protein change: p.Val3952Glu; replaces valine 3952 with glutamic acid.
Molecular consequence: missense variant.
Genome position (GRCh38, 1-based): chr14:64,090,927, T>A. VCF-style: chr14-64090927-T-A. GRCh37 (hg19) VCF-style: chr14-64557645-T-A.
Other names: c.11855T>A, p.Val3952Glu (NM_015180.6); short protein forms V3952E.
Identifiers: ClinVar variation 2047776 (VCV002047776.4), dbSNP rs2548740624, ClinGen allele CA389948684.